The following is an entry in ClinVar:

NM_000039.3(APOA1):c.378C>G (p.Asp126Glu)

Genes: APOA1 (apolipoprotein A1; minus strand), APOA1-AS (APOA1 antisense RNA; plus strand). Cytogenetic location: 11q23.3.
Variant type: single nucleotide variant.
Coding change: c.378C>G on transcript NM_000039.3 (MANE Select); coding-DNA position 378, C replaced by G.
Protein change: p.Asp126Glu; replaces aspartic acid 126 with glutamic acid.
Molecular consequence: missense variant. On other transcripts: non-coding transcript variant (1).
Genome position (GRCh38, 1-based): chr11:116,836,234, G>C on the plus strand (C>G on the coding strand, the complement: APOA1 is on the minus strand). VCF-style: chr11-116836234-G-C. GRCh37 (hg19) VCF-style: chr11-116706950-G-C.
Other names: c.378C>G, p.Asp126Glu (NM_001318017.2, NM_001318018.2); c.51C>G, p.Asp17Glu (NM_001318021.2); short protein forms D126E, D17E.
Identifiers: ClinVar variation 2105130 (VCV002105130.4), dbSNP rs2540290667, ClinGen allele CA382716289.
Genomic context (GRCh38, chr11:116,836,234, plus strand): 5'-CAGCGGCTCCACCTTCTGGCGGTAGAGCTCCATCTCCTCCTGCCACTTCTTCTGGAAGTC[G>C]TCCAGGTAGGGCTGCACCTTGGCCTTCACCTCCTCCAGATCCTTGCTCATCTCCTGCCTC-3'
Protein context (NP_000030.1, residues 116-136): EVKAKVQPYL[Asp126Glu]DFQKKWQEEM

ClinVar aggregate classification (germline): Uncertain significance (1 of 4 stars; one submission).

Allele frequency attached by ClinVar (database versions not stated): gnomAD exomes below 0.00001.
gnomAD v4.1: 1 of 1,614,140 alleles (0.000062%); highest among the groups gnomAD compares: Non-Finnish European, 0.000085%; no homozygotes.

Submission:

Labcorp Genetics (formerly Invitae), Labcorp
Classification: Uncertain significance. Last evaluated: 2023-10-13. Review status: criteria provided, single submitter. Criteria: Invitae Variant Classification Sherloc (09022015). Collection method: clinical testing. Allele origin: germline.
Comment: This sequence change replaces aspartic acid, which is acidic and polar, with glutamic acid, which is acidic and polar, at codon 126 of the APOA1 protein (p.Asp126Glu). This variant is not present in population databases (gnomAD no frequency). This variant has not been reported in the literature in individuals affected with APOA1-related conditions. ClinVar contains an entry for this variant (Variation ID: 2105130). Advanced modeling of protein sequence and biophysical properties (such as structural, functional, and spatial information, amino acid conservation, physicochemical variation, residue mobility, and thermodynamic stability) performed at Invitae indicates that this missense variant is not expected to disrupt APOA1 protein function. In summary, the available evidence is currently insufficient to determine the role of this variant in disease. Therefore, it has been classified as a Variant of Uncertain Significance.